The following is an entry in ClinVar:

ClinVar aggregate classification (germline): Pathogenic/Likely pathogenic. Review status: criteria provided, multiple submitters, no conflicts (2 of 4 stars). 5 submissions from 5 submitters: Pathogenic (2); Likely pathogenic (1). 2 of the submissions do not count toward it. Last evaluated 2025-11-07.

Conditions:
Snijders blok-fisher syndrome. Identifiers: Orphanet 656135, MedGen C5231424, MONDO:0032830, OMIM 618604.

Submissions (5):

Labcorp Genetics (formerly Invitae), Labcorp
Classification: Pathogenic. Last evaluated: 2025-11-07. Review status: criteria provided, single submitter. Criteria: Invitae Variant Classification Sherloc (09022015). Collection method: clinical testing. Allele origin: germline.
Comment: This sequence change replaces arginine, which is basic and polar, with leucine, which is neutral and non-polar, at codon 362 of the POU3F3 protein (p.Arg362Leu). This variant is not present in population databases (gnomAD no frequency). This missense change has been observed in individual(s) with POU3F3-related conditions (PMID: 31303265). In at least one individual the variant was observed to be de novo. ClinVar contains an entry for this variant (Variation ID: 691582). An algorithm developed to predict the effect of missense changes on protein structure and function (PolyPhen-2) suggests that this variant is likely to be disruptive. Experimental studies have shown that this missense change affects POU3F3 function (PMID: 31303265). For these reasons, this variant has been classified as Pathogenic.

Mendelics
Classification: Likely pathogenic for Snijders blok-fisher syndrome. Last evaluated: 2022-05-04. Review status: criteria provided, single submitter. Criteria: Mendelics Assertion Criteria 2019. Collection method: clinical testing. Allele origin: germline.

CeGaT Center for Human Genetics Tuebingen
Classification: Pathogenic. Last evaluated: 2021-04-01. Review status: criteria provided, single submitter. Criteria: CeGaT Center For Human Genetics Tuebingen Variant Classification Criteria Version 2. Collection method: clinical testing. Allele origin: germline. Affected: yes. Observed: 1 variant allele.

Bristol Genetics Laboratory, North Bristol NHS Trust
Classification: Pathogenic for Snijders blok-fisher syndrome. Last evaluated: 2019-11-22. Review status: no assertion criteria provided. Collection method: clinical testing. Allele origin: de novo. Affected: yes. Not counted in ClinVar's aggregate classification.

OMIM
Classification: Pathogenic for SNIJDERS BLOK-FISHER SYNDROME. Last evaluated: 2019-10-03. Review status: no assertion criteria provided. Collection method: literature only. Allele origin: germline. Not counted in ClinVar's aggregate classification.

Literature cited by the submitters: PubMed 31303265 (cited by Labcorp Genetics (formerly Invitae), Labcorp and OMIM).

NM_006236.3(POU3F3):c.1085G>T (p.Arg362Leu)

Gene: POU3F3 (POU class 3 homeobox 3; plus strand). Cytogenetic location: 2q12.1.
Variant type: single nucleotide variant.
Coding change: c.1085G>T on transcript NM_006236.3 (MANE Select); coding-DNA position 1085, G replaced by T.
Protein change: p.Arg362Leu; replaces arginine 362 with leucine.
Molecular consequence: missense variant.
Genome position (GRCh38, 1-based): chr2:104,856,595, G>T. VCF-style: chr2-104856595-G-T. GRCh37 (hg19) VCF-style: chr2-105473053-G-T.
Other names: short protein forms R362L.
Identifiers: ClinVar variation 691582 (VCV000691582.40), dbSNP rs1158292126, ClinGen allele CA348098165.